The following is an entry in ClinVar:

ClinVar aggregate classification (germline): Uncertain significance (1 of 4 stars; one submission).

Conditions:
X-linked complicated corpus callosum dysgenesis. Also called: X-Linked Complicated Corpus Callosum Agenesis. Identifiers: Orphanet 1497, MedGen C1839909, MONDO:0010569, OMIM 304100.
MASA syndrome. Also called: MENTAL RETARDATION, APHASIA, SHUFFLING GAIT, AND ADDUCTED THUMBS; MASA Syndrome (Mental Retardation, Adducted Thumbs, Shuffling Gait, and Aphasia); SPASTIC PARAPLEGIA 1, X-LINKED; CRASH syndrome; MASA (Mental Retardation, Adducted Thumbs, Shuffling Gait, Aphasia) Syndrome, Including SPG1 (X-Linked Complicated Hereditary Spastic Paraplegia Type 1); ADDUCTED THUMB WITH MENTAL RETARDATION. Identifiers: Orphanet 2466, MedGen C0795953, MONDO:0010559, OMIM 303350.
X-linked hydrocephalus syndrome (HYCX). Also called: AQUEDUCTAL STENOSIS, X-LINKED; X-Linked Hydrocephalus with Stenosis of the Aqueduct of Sylvius; HYDROCEPHALUS, CONGENITAL, X-LINKED; X-Linked Hydrocephalus with Stenosis of the Aqueduct of Sylvius (HSAS); X-linked hydrocephalus. Identifiers: Orphanet 2182, MedGen C0265216, MONDO:0010611, OMIM 307000.

Submission:

Juno Genomics, Hangzhou Juno Genomics, Inc
Classification: Uncertain significance for X-linked complicated corpus callosum dysgenesis; X-linked hydrocephalus syndrome; MASA syndrome. Review status: criteria provided, single submitter. Criteria: ACMG Guidelines, 2015. Collection method: clinical testing. Allele origin: germline.
Comment: Absent from controls (or at extremely low frequency if recessive) in Genome Aggregation Database.

NM_001278116.2(L1CAM):c.524-4G>T

Gene: L1CAM (L1 cell adhesion molecule; minus strand). Cytogenetic location: Xq28.
Variant type: single nucleotide variant.
Coding change: c.524-4G>T on transcript NM_001278116.2 (MANE Select); 4 bases into the intron before coding-DNA position 524, G replaced by T.
Molecular consequence: intron variant.
Genome position (GRCh38, 1-based): chrX:153,870,964, C>A on the plus strand (G>T on the coding strand, the complement: L1CAM is on the minus strand). VCF-style: chrX-153870964-C-A. GRCh37 (hg19) VCF-style: chrX-153136419-C-A.
Other names: c.509-4G>T (NM_001143963.2); c.524-4G>T (NM_024003.3, NM_000425.5).
Identifiers: ClinVar variation 5007522 (VCV005007522.2).
Genomic context (GRCh38, chrX:153,870,964, plus strand): 5'-AGAGGTTGCCGTTCTGGCCCATCGTCACCCGCTCGTCCTGCTTGATGTGCAAGATCTCTG[C>A]AGGGGGCAAGGAGGCCGAAGTCATGACCCCGTCCAGGAAGACACCCCCGCTAACACCCCG-3'